The following is an entry in ClinVar:

NM_001379500.1(COL18A1):c.107-12387G>A

Gene: COL18A1 (collagen type XVIII alpha 1 chain; plus strand). Cytogenetic location: 21q22.3.
Variant type: single nucleotide variant.
Coding change: c.107-12387G>A on transcript NM_001379500.1 (MANE Select); 12387 bases into the intron before coding-DNA position 107, G replaced by A.
Molecular consequence: intron variant. On other transcripts: missense variant (2).
Genome position (GRCh38, 1-based): chr21:45,455,855, G>A. VCF-style: chr21-45455855-G-A. GRCh37 (hg19) VCF-style: chr21-46875769-G-A.
Other names: c.325G>A, p.Gly109Ser (NM_030582.4, NM_130444.3); short protein forms G109S.
Identifiers: ClinVar variation 1374039 (VCV001374039.5), dbSNP rs764301199, ClinGen allele CA10065442.

ClinVar aggregate classification (germline): Uncertain significance (1 of 4 stars; one submission).

Allele frequency attached by ClinVar (database versions not stated): ExAC 0.00001; gnomAD 0.00001; gnomAD exomes 0.00001 and 0.00002; TOPMed 0.00001.
gnomAD v4.1: 31 of 1,613,032 alleles (0.0019%); highest among the groups gnomAD compares: East Asian, 0.0022%; no homozygotes.

Submission:

Labcorp Genetics (formerly Invitae), Labcorp
Classification: Uncertain significance. Last evaluated: 2025-12-15. Review status: criteria provided, single submitter. Criteria: Invitae Variant Classification Sherloc (09022015). Collection method: clinical testing. Allele origin: germline.
Comment: The COL18A1 gene has multiple clinically relevant transcripts. This variant occurs in alternate transcript NM_030582.4, and corresponds to NM_130445.3:c.107-12387G>A in the primary transcript. This sequence change replaces glycine, which is neutral and non-polar, with serine, which is neutral and polar, at codon 109 of the COL18A1 protein (p.Gly109Ser). This variant is present in population databases (rs764301199, gnomAD 0.003%). This variant has not been reported in the literature in individuals affected with COL18A1-related conditions. ClinVar contains an entry for this variant (Variation ID: 1374039). Experimental studies and prediction algorithms are not available or were not evaluated, and the functional significance of this variant is currently unknown. Algorithms developed to predict the effect of sequence changes on RNA splicing suggest that this variant is not likely to affect RNA splicing. In summary, the available evidence is currently insufficient to determine the role of this variant in disease. Therefore, it has been classified as a Variant of Uncertain Significance.